The following is an entry in ClinVar:

ClinVar aggregate classification (germline): Pathogenic/Likely pathogenic. Review status: criteria provided, multiple submitters, no conflicts (2 of 4 stars). 2 submissions from 2 submitters: Pathogenic (1); Likely pathogenic (1). Last evaluated 2023-06-21.

Conditions:
Mitochondrial complex I deficiency, nuclear type 16. Also called: Mitochondrial complex 1 deficiency, nuclear type 16. Identifiers: MedGen C4748785, MONDO:0032621, OMIM 618238.

Submissions (2):

Revvity Omics, Revvity
Classification: Likely pathogenic for Mitochondrial complex I deficiency, nuclear type 16. Last evaluated: 2023-06-21. Review status: criteria provided, single submitter. Criteria: ACMG Guidelines, 2015. Collection method: clinical testing. Allele origin: germline.

Labcorp Genetics (formerly Invitae), Labcorp
Classification: Pathogenic. Last evaluated: 2022-01-28. Review status: criteria provided, single submitter. Criteria: Invitae Variant Classification Sherloc (09022015). Collection method: clinical testing. Allele origin: germline.
Comment: This sequence change creates a premature translational stop signal (p.Phe147Serfs*13) in the NDUFAF5 gene. It is expected to result in an absent or disrupted protein product. Loss-of-function variants in NDUFAF5 are known to be pathogenic (PMID: 26275793, 30473481, 32918965). This variant is not present in population databases (gnomAD no frequency). This variant has not been reported in the literature in individuals affected with NDUFAF5-related conditions. For these reasons, this variant has been classified as Pathogenic.

Literature cited by the submitters: PubMed 26275793 (cited by Labcorp Genetics (formerly Invitae), Labcorp); PubMed 30473481 (cited by Labcorp Genetics (formerly Invitae), Labcorp); PubMed 32918965 (cited by Labcorp Genetics (formerly Invitae), Labcorp).

NM_024120.5(NDUFAF5):c.440del (p.Phe147fs)

Gene: NDUFAF5 (NADH:ubiquinone oxidoreductase complex assembly factor 5; plus strand). Cytogenetic location: 20p12.1.
Variant type: Deletion.
Coding change: c.440del on transcript NM_024120.5 (MANE Select); coding-DNA position 440, one base deleted (T; older notation c.440delT).
Protein change: p.Phe147fs; shifts the reading frame from phenylalanine 147.
Molecular consequence: frameshift variant. On other transcripts: 5 prime UTR variant (2), non-coding transcript variant (5), intron variant (2).
Genome position (GRCh38, 1-based): chr20:13,794,902, T deleted; the last of 2 consecutive T bases (chr20:13,794,901-13,794,902); deleting either gives the same sequence. VCF-style (leftmost placement, unchanged base first): chr20-13794900-CT-C. GRCh37 (hg19) VCF-style: chr20-13775546-CT-C.
Other names: c.-122del (NM_001352406.2, NM_001352407.2); c.440del, p.Phe147fs (NM_001352408.2); c.395+1675del (NM_001039375.3); c.8+1675del (NM_001352403.2); short protein forms F147fs.
Identifiers: ClinVar variation 1975286 (VCV001975286.7), dbSNP rs2516152365, ClinGen allele CA2580097877.